The following is an entry in ClinVar:

NM_000051.4(ATM):c.3577-6G>T

Gene: ATM (ATM serine/threonine kinase; plus strand). Cytogenetic location: 11q22.3.
Variant type: single nucleotide variant.
Coding change: c.3577-6G>T on transcript NM_000051.4 (MANE Select); 6 bases into the intron before coding-DNA position 3577, G replaced by T.
Molecular consequence: intron variant.
Genome position (GRCh38, 1-based): chr11:108,282,704, G>T. VCF-style: chr11-108282704-G-T. GRCh37 (hg19) VCF-style: chr11-108153431-G-T.
Other names: c.3577-6G>T (NM_001351834.2).
Identifiers: ClinVar variation 3253895 (VCV003253895.1), dbSNP rs56006345.
Genomic context (GRCh38, chr11:108,282,704, plus strand): 5'-TAACAAGCATTTAAATGATTTATTTTTTTCATTTTTCTTAACACATTGACTTTTTGGTTC[G>T]TGCAGGTTTTAGAGAAAGTTTCTGAAACTTTTGGATATAGACGTTTAGAAGACTTTATGG-3'

ClinVar aggregate classification (germline): Likely benign (1 of 4 stars; one submission).

Conditions:
Familial cancer of breast. Also called: BREAST CANCER, FAMILIAL; Hereditary breast cancer; hereditary breast carcinoma. Identifiers: Orphanet 227535, MedGen C0346153, MONDO:0016419, OMIM 114480. Disease mechanism: loss of function.

gnomAD v4.1: 1 of 1,611,828 alleles (0.000062%); highest among the groups gnomAD compares: Non-Finnish European, 0.000085%; no homozygotes.

Submission:

Myriad Genetics, Inc.
Classification: Likely benign for Familial cancer of breast. Last evaluated: 2024-05-15. Review status: criteria provided, single submitter. Criteria: Myriad Autosomal Dominant, Autosomal Recessive and X-Linked Classification Criteria (2023). Collection method: clinical testing. Allele origin: unknown.
Comment: This variant is considered likely benign. This variant is intronic and is not expected to impact mRNA splicing.